The following is an entry in ClinVar:

NM_001845.6(COL4A1):c.17G>A (p.Ser6Asn)

Gene: COL4A1 (collagen type IV alpha 1 chain; minus strand). Cytogenetic location: 13q34.
Variant type: single nucleotide variant.
Coding change: c.17G>A on transcript NM_001845.6 (MANE Select); coding-DNA position 17, G replaced by A.
Protein change: p.Ser6Asn; replaces serine 6 with asparagine.
Molecular consequence: missense variant.
Genome position (GRCh38, 1-based): chr13:110,307,011, C>T on the plus strand (G>A on the coding strand, the complement: COL4A1 is on the minus strand). VCF-style: chr13-110307011-C-T. GRCh37 (hg19) VCF-style: chr13-110959358-C-T.
Other names: c.17G>A, p.Ser6Asn (NM_001303110.2); short protein forms S6N.
Identifiers: ClinVar variation 4691690 (VCV004691690.1).

ClinVar aggregate classification (germline): Uncertain significance (1 of 4 stars; one submission).

Submission:

Labcorp Genetics (formerly Invitae), Labcorp
Classification: Uncertain significance. Last evaluated: 2025-09-24. Review status: criteria provided, single submitter. Criteria: Invitae Variant Classification Sherloc (09022015). Collection method: clinical testing. Allele origin: germline.
Comment: This sequence change replaces serine, which is neutral and polar, with asparagine, which is neutral and polar, at codon 6 of the COL4A1 protein (p.Ser6Asn). This variant is not present in population databases (gnomAD no frequency). This variant has not been reported in the literature in individuals affected with COL4A1-related conditions. Invitae Evidence Modeling of protein sequence and biophysical properties (such as structural, functional, and spatial information, amino acid conservation, physicochemical variation, residue mobility, and thermodynamic stability) indicates that this missense variant is not expected to disrupt COL4A1 protein function with a negative predictive value of 95%. In summary, the available evidence is currently insufficient to determine the role of this variant in disease. Therefore, it has been classified as a Variant of Uncertain Significance.